The following is an entry in ClinVar:

ClinVar aggregate classification (germline): Benign. Review status: criteria provided, multiple submitters, no conflicts (2 of 4 stars). 3 submissions from 3 submitters: Benign (2). 1 of the submissions does not count toward it. Last evaluated 2021-06-19.

Conditions:
CXCL12-related disorder. Also called: CXCL12-related condition.

Allele frequency attached by ClinVar (database versions not stated): 1000 Genomes Project 0.05811; gnomAD 0.04555 and 0.04541; gnomAD exomes 0.04219; ExAC 0.05140; 1000 Genomes Project 30x 0.05793.
gnomAD v4.1: 54,699 of 1,536,038 alleles (3.6%); highest among the groups gnomAD compares: African/African-American, 7.3%; 1,141 homozygotes.

Submissions (3):

GeneDx
Classification: Benign. Last evaluated: 2021-06-19. Review status: criteria provided, single submitter. Criteria: GeneDx Variant Classification Process June 2021. Collection method: clinical testing. Allele origin: germline. Affected: yes.

Breakthrough Genomics
Classification: Benign. Review status: criteria provided, single submitter. Criteria: ACMG Guidelines, 2015. Collection method: not provided. Allele origin: germline. Inheritance: Unknown mechanism. Affected: yes.

PreventionGenetics, part of Exact Sciences
Classification: Benign for CXCL12-related condition. Last evaluated: 2020-01-10. Review status: no assertion criteria provided. Collection method: clinical testing. Allele origin: germline. Not counted in ClinVar's aggregate classification.
Comment: This variant is classified as benign based on ACMG/AMP sequence variant interpretation guidelines (Richards et al. 2015 PMID: 25741868, with internal and published modifications).

NM_001277990.2(CXCL12):c.183G>A (p.Leu61=)

Gene: CXCL12 (C-X-C motif chemokine ligand 12; minus strand). Cytogenetic location: 10q11.21.
Variant type: single nucleotide variant.
Coding change: c.183G>A on transcript NM_001277990.2; coding-DNA position 183, G replaced by A.
Protein change: p.Leu61=; no amino-acid change (leucine 61 retained).
Molecular consequence: synonymous variant. On other transcripts: 3 prime UTR variant (1).
Genome position (GRCh38, 1-based): chr10:44,373,017, C>T on the plus strand (G>A on the coding strand, the complement: CXCL12 is on the minus strand). VCF-style: chr10-44373017-C-T. GRCh37 (hg19) VCF-style: chr10-44868465-C-T.
Other names: c.*311G>A (NM_000609.7).
Identifiers: ClinVar variation 1233193 (VCV001233193.8), dbSNP rs12258838, ClinGen allele CA5478981.